The following is an entry in ClinVar:

NM_001378609.3(OTOGL):c.3184A>T (p.Ile1062Phe)

Gene: OTOGL (otogelin like; plus strand). Cytogenetic location: 12q21.31.
Variant type: single nucleotide variant.
Coding change: c.3184A>T on transcript NM_001378609.3 (MANE Select); coding-DNA position 3184, A replaced by T.
Protein change: p.Ile1062Phe; replaces isoleucine 1062 with phenylalanine.
Molecular consequence: missense variant.
Genome position (GRCh38, 1-based): chr12:80,302,754, A>T. VCF-style: chr12-80302754-A-T. GRCh37 (hg19) VCF-style: chr12-80696534-A-T.
Other names: c.3049A>T, p.Ile1017Phe (NM_001368062.3); c.3184A>T, p.Ile1062Phe (NM_001378610.3, NM_173591.7); short protein forms I1053F, I1017F, I1062F.
Identifiers: ClinVar variation 227819 (VCV000227819.13), dbSNP rs188793584, ClinGen allele CA6700980.
Genomic context (GRCh38, chr12:80,302,754, plus strand): 5'-TATATAGTAGTATACTTTCCAGAGAAAGATATCACTATTCTTTGGGATAGGAAGACAACT[A>T]TTCATATCAAAGTTGGGCCACAGTGGAAGGTAGGTCAACCTAAGCTCCAAATGAGATGTA-3'
Protein context (NP_001365538.2, residues 1052-1072): ITILWDRKTT[Ile1062Phe]HIKVGPQWKN

ClinVar aggregate classification (germline): Conflicting classifications of pathogenicity. Review status: criteria provided, conflicting classifications (1 of 4 stars). 4 submissions from 4 submitters: Uncertain significance (3); Likely benign (1). Last evaluated 2025-09-12.

Conditions:
OTOGL-related disorder. Also called: OTOGL-related condition.

Allele frequency attached by ClinVar (database versions not stated): gnomAD 0.00005 and 0.00009; gnomAD exomes 0.00017; TOPMed 0.00020; ExAC 0.00042; 1000 Genomes Project 0.00080; 1000 Genomes Project 30x 0.00094.
gnomAD v4.1: 88 of 1,528,474 alleles (0.0058%); highest among the groups gnomAD compares: East Asian, 0.18%; no homozygotes.

Submissions (4):

PreventionGenetics, part of Exact Sciences
Classification: Uncertain significance for OTOGL-related condition. Last evaluated: 2025-09-12. Review status: criteria provided, single submitter. Criteria: ACMG Guidelines, 2015. Collection method: clinical testing. Allele origin: germline.
Comment: The OTOGL c.3157A>T variant is predicted to result in the amino acid substitution p.Ile1053Phe. To our knowledge, this variant has not been reported in the literature. This variant is reported in 0.20% of alleles in individuals of East Asian descent in gnomAD. Although we suspect that this variant may be benign, at this time, the clinical significance of this variant is uncertain due to the absence of conclusive functional and genetic evidence.

Labcorp Genetics (formerly Invitae), Labcorp
Classification: Uncertain significance. Last evaluated: 2022-02-03. Review status: criteria provided, single submitter. Criteria: Invitae Variant Classification Sherloc (09022015). Collection method: clinical testing. Allele origin: germline.
Comment: In summary, the available evidence is currently insufficient to determine the role of this variant in disease. Therefore, it has been classified as a Variant of Uncertain Significance. Algorithms developed to predict the effect of missense changes on protein structure and function are either unavailable or do not agree on the potential impact of this missense change (SIFT: "Deleterious"; PolyPhen-2: "Possibly Damaging"; Align-GVGD: "Class C0"). ClinVar contains an entry for this variant (Variation ID: 227819). This variant has not been reported in the literature in individuals affected with OTOGL-related conditions. This variant is present in population databases (rs188793584, gnomAD 0.2%). This sequence change replaces isoleucine, which is neutral and non-polar, with phenylalanine, which is neutral and non-polar, at codon 1053 of the OTOGL protein (p.Ile1053Phe).

GeneDx
Classification: Uncertain significance. Last evaluated: 2016-12-12. Review status: criteria provided, single submitter. Criteria: GeneDx Variant Classification (06012015). Collection method: clinical testing. Allele origin: germline. Affected: yes.
Comment: The I1053F variant in the OTOGL gene has not been reported previously as a pathogenic variant, nor as a benign variant, to our knowledge. The I1053F variant was not observed in approximately 5900 individuals of European and African American ancestry in the NHLBI Exome Sequencing Project, indicating it is not a common benign variant in these populations. The I1053F variant is a conservative amino acid substitution, which is not likely to impact secondary protein structure as these residues share similar properties. This substitution occurs at a position where amino acids with similar properties to Isoleucine are tolerated across species. In silico analysis predicts this variant is probably damaging to the protein structure/function. We interpret I1053F as a variant of uncertain significance.

Laboratory for Molecular Medicine, Mass General Brigham Personalized Medicine
Classification: Likely benign. Last evaluated: 2015-04-17. Review status: criteria provided, single submitter. Criteria: LMM Criteria. Collection method: clinical testing. Allele origin: germline. Observed: 1 variant allele.
Comment: p.Ile1053Phe in exon 27 of OTOGL: This variant is not expected to have clinical significance because it has been identified in 0.51% (16/3110) of East Asian chr omosomes by the Exome Aggregation Consortium (ExAC, rg; dbSNP rs188793584).